The following is an entry in ClinVar:

NM_000760.4(CSF3R):c.2041-164_2132dup

Gene: CSF3R (colony stimulating factor 3 receptor; minus strand). Cytogenetic location: 1p34.3.
Variant type: Duplication.
Coding change: c.2041-164_2132dup on transcript NM_000760.4 (MANE Select); 164 bases into the intron before coding-DNA position 2041 through coding-DNA position 2132, 256 bases duplicated.
Molecular consequence: splice acceptor variant.
Genome position (GRCh38, 1-based): chr1:36,466,736-36,466,991, 256 bases duplicated. GRCh37 (hg19): chr1:36,932,340-36,932,595.
Other names: c.2041-83_2213dup (NM_156039.3); c.2041-164_2132dup (NM_172313.3).
Identifiers: ClinVar variation 4732222 (VCV004732222.1).

ClinVar aggregate classification (germline): Uncertain significance (1 of 4 stars; one submission).

Conditions:
Autosomal recessive severe congenital neutropenia due to CSF3R deficiency. Also called: Neutropenia, severe congenital, 7, autosomal recessive. Identifiers: Orphanet 420702, MedGen C4310764, MONDO:0014865, OMIM 617014.

Submission:

Labcorp Genetics (formerly Invitae), Labcorp
Classification: Uncertain significance for Autosomal recessive severe congenital neutropenia due to CSF3R deficiency. Last evaluated: 2025-12-01. Review status: criteria provided, single submitter. Criteria: Invitae Variant Classification Sherloc (09022015). Collection method: clinical testing. Allele origin: germline.
Comment: This sequence change falls in intron 16 of the CSF3R gene. It does not directly change the encoded amino acid sequence of the CSF3R protein. This variant is not present in population databases (gnomAD no frequency). This variant has not been reported in the literature in individuals affected with CSF3R-related conditions. This variant is also known as p.His712delins19*. Experimental studies and prediction algorithms are not available or were not evaluated, and the effect of this variant on mRNA splicing is currently unknown. In summary, the available evidence is currently insufficient to determine the role of this variant in disease. Therefore, it has been classified as a Variant of Uncertain Significance.